The following is an entry in ClinVar:

ClinVar aggregate classification (germline): Uncertain significance (1 of 4 stars; one submission).

Conditions:
Intellectual disability, autosomal recessive 53 (NEDHSCA). Also called: NEURODEVELOPMENTAL DISORDER WITH OR WITHOUT HYPOTONIA, SEIZURES, AND CEREBELLAR ATROPHY; GLYCOSYLPHOSPHATIDYLINOSITOL BIOSYNTHESIS DEFECT 13; Mental retardation, autosomal recessive 53. Identifiers: Orphanet 488635, MedGen C4310794, MONDO:0014832, OMIM 616917.

Allele frequency attached by ClinVar (database versions not stated): gnomAD exomes below 0.00001.
gnomAD v4.1: 1 of 1,614,136 alleles (0.000062%); highest among the groups gnomAD compares: Admixed American, 0.0017%; no homozygotes.

Submission:

Labcorp Genetics (formerly Invitae), Labcorp
Classification: Uncertain significance for Intellectual disability, autosomal recessive 53. Last evaluated: 2019-08-30. Review status: criteria provided, single submitter. Criteria: Invitae Variant Classification Sherloc (09022015). Collection method: clinical testing. Allele origin: germline.
Comment: In summary, the available evidence is currently insufficient to determine the role of this variant in disease. Therefore, it has been classified as a Variant of Uncertain Significance. Algorithms developed to predict the effect of missense changes on protein structure and function (SIFT, PolyPhen-2, Align-GVGD) all suggest that this variant is likely to be tolerated, but these predictions have not been confirmed by published functional studies and their clinical significance is uncertain. This variant has not been reported in the literature in individuals with PIGG-related conditions. This variant is not present in population databases (ExAC no frequency). This sequence change replaces glutamine with leucine at codon 455 of the PIGG protein (p.Gln455Leu). The glutamine residue is weakly conserved and there is a moderate physicochemical difference between glutamine and leucine.

NM_001127178.3(PIGG):c.1364A>T (p.Gln455Leu)

Gene: PIGG (phosphatidylinositol glycan anchor biosynthesis class G (EMM blood group); plus strand). Cytogenetic location: 4p16.3.
Variant type: single nucleotide variant.
Coding change: c.1364A>T on transcript NM_001127178.3 (MANE Select); coding-DNA position 1364, A replaced by T.
Protein change: p.Gln455Leu; replaces glutamine 455 with leucine.
Molecular consequence: missense variant. On other transcripts: synonymous variant (1), 5 prime UTR variant (2), non-coding transcript variant (10).
Genome position (GRCh38, 1-based): chr4:521,691, A>T. VCF-style: chr4-521691-A-T. GRCh37 (hg19) VCF-style: chr4-515480-A-T.
Other names: c.1097A>T, p.Gln366Leu (NM_001289051.2, NM_001289053.2, NM_001345986.2); c.965A>T, p.Gln322Leu (NM_001289052.2); c.952A>T, p.Arg318Trp (NM_001289055.2); c.879A>T, p.Thr293= (NM_001289057.2); c.1073A>T, p.Gln358Leu (NM_001345987.2); c.335A>T, p.Gln112Leu (NM_001345988.2); c.1364A>T, p.Gln455Leu (NM_001345989.2); c.-170A>T (NM_001345990.2, NM_001345991.2); and 2 more; short protein forms Q366L, Q447L, Q89L, R318W, Q112L, Q322L, Q358L, Q455L.
Identifiers: ClinVar variation 937200 (VCV000937200.10), dbSNP rs1390150253, ClinGen allele CA355904387.